The following is an entry in ClinVar:

NM_000059.4(BRCA2):c.-3A>G

Gene: BRCA2 (BRCA2 DNA repair associated; plus strand). Cytogenetic location: 13q13.1.
Variant type: single nucleotide variant.
Coding change: c.-3A>G on transcript NM_000059.4 (MANE Select); 3 bases upstream of the start codon, A replaced by G.
Molecular consequence: 5 prime UTR variant.
Genome position (GRCh38, 1-based): chr13:32,316,458, A>G. VCF-style: chr13-32316458-A-G. GRCh37 (hg19) VCF-style: chr13-32890595-A-G.
Other names: 5'UTR226A>G.
Identifiers: ClinVar variation 96758 (VCV000096758.10), dbSNP rs431825277, ClinGen allele CA019351.

ClinVar aggregate classification (germline): Conflicting classifications of pathogenicity. Review status: criteria provided, conflicting classifications (1 of 4 stars). 3 submissions from 3 submitters: Uncertain significance (1); Likely benign (1). 1 of the submissions does not count toward it. Last evaluated 2021-11-17.

Conditions:
Hereditary cancer-predisposing syndrome. Also called: Hereditary Cancer Syndrome; Neoplastic Syndromes, Hereditary; Hereditary neoplastic syndrome; Tumor predisposition. Identifiers: Orphanet 140162, MedGen C0027672, MeSH D009386, MONDO:0015356.
Hereditary breast ovarian cancer syndrome. Also called: Breast and ovarian cancer; Hereditary breast and/or ovarian cancer syndrome; Hereditary breast and ovarian cancer; Hereditary breast and ovarian cancer syndrome; Hereditary breast and ovarian cancer syndrome (HBOC); BRCA1- and BRCA2-Associated Hereditary Breast and Ovarian Cancer. Identifiers: Orphanet 145, MedGen C0677776, MeSH D061325, MONDO:0003582. Disease mechanism: loss of function.
Breast-ovarian cancer, familial, susceptibility to, 2 (BROVCA2). Also called: BRCA2 Hereditary Breast and Ovarian Cancer. Identifiers: Orphanet 145, MedGen C2675520, MONDO:0012933, OMIM 612555. Disease mechanism: loss of function.

Allele frequency attached by ClinVar (database versions not stated): gnomAD exomes below 0.00001 and 0.00002; ExAC 0.00003.
gnomAD v4.1: 5 of 1,613,530 alleles (0.00031%); highest among the groups gnomAD compares: South Asian, 0.0055%; no homozygotes.

Submissions (3):

Labcorp Genetics (formerly Invitae), Labcorp
Classification: Uncertain significance for Hereditary breast ovarian cancer syndrome. Last evaluated: 2021-11-17. Review status: criteria provided, single submitter. Criteria: Invitae Variant Classification Sherloc (09022015). Collection method: clinical testing. Allele origin: germline.
Comment: In summary, the available evidence is currently insufficient to determine the role of this variant in disease. Therefore, it has been classified as a Variant of Uncertain Significance. Experimental studies and prediction algorithms are not available or were not evaluated, and the functional significance of this variant is currently unknown. ClinVar contains an entry for this variant (Variation ID: 96758). This variant has not been reported in the literature in individuals affected with BRCA2-related conditions. This variant is present in population databases (rs431825277, gnomAD 0.01%). This variant occurs in a non-coding region of the BRCA2 gene. It does not change the encoded amino acid sequence of the BRCA2 protein.

Color Diagnostics, LLC DBA Color Health
Classification: Likely benign for Hereditary cancer-predisposing syndrome. Last evaluated: 2017-02-14. Review status: criteria provided, single submitter. Criteria: ACMG Guidelines, 2015. Collection method: clinical testing. Allele origin: germline.

Sharing Clinical Reports Project (SCRP)
Classification: Uncertain significance for Breast-ovarian cancer, familial 2. Last evaluated: 2012-05-01. Review status: no assertion criteria provided. Collection method: clinical testing. Allele origin: germline. Not counted in ClinVar's aggregate classification.